The following is an entry in ClinVar:

ClinVar aggregate classification (germline): Uncertain significance (1 of 4 stars; one submission).

Submission:

Labcorp Genetics (formerly Invitae), Labcorp
Classification: Uncertain significance. Last evaluated: 2021-09-01. Review status: criteria provided, single submitter. Criteria: Invitae Variant Classification Sherloc (09022015). Collection method: clinical testing. Allele origin: germline.
Comment: This sequence change falls in intron 18 of the SLC26A3 gene. It does not directly change the encoded amino acid sequence of the SLC26A3 protein. It affects a nucleotide within the consensus splice site of the intron. The frequency data for this variant in the population databases is not available, as this variant may be reported as separate entries in the ExAC database. This variant has not been reported in the literature in individuals affected with SLC26A3-related conditions. Variants that disrupt the consensus splice site are a relatively common cause of aberrant splicing (PMID: 17576681, 9536098). Algorithms developed to predict the effect of sequence changes on RNA splicing suggest that this variant may disrupt the consensus splice site. In summary, the available evidence is currently insufficient to determine the role of this variant in disease. Therefore, it has been classified as a Variant of Uncertain Significance.

Literature cited by the submitters: PubMed 17576681; PubMed 9536098.

NM_000111.3(SLC26A3):c.2063-4_2063-3delinsAA

Gene: SLC26A3 (solute carrier family 26 member 3; minus strand). Cytogenetic location: 7q22.3.
Variant type: Indel.
Coding change: c.2063-4_2063-3delinsAA on transcript NM_000111.3 (MANE Select); 4 bases into the intron before coding-DNA position 2063 through 3 bases into the intron before coding-DNA position 2063, TC replaced by AA.
Molecular consequence: intron variant.
Genome position (GRCh38, 1-based): chr7:107,767,911-107,767,912, GA replaced by TT on the plus strand (TC replaced by AA on the coding strand, the reverse complement: SLC26A3 is on the minus strand). VCF-style: chr7-107767911-GA-TT. GRCh37 (hg19) VCF-style: chr7-107408356-GA-TT.
Identifiers: ClinVar variation 1385709 (VCV001385709.5), dbSNP rs2115783899, ClinGen allele CA2573141480.
Genomic context (GRCh38, chr7:107,767,911, plus strand): 5'-GAGCTTTTCACTTCACCATCAAAAAATTCATACCGGTTAAGCTTCTCAATGAAGTCATCT[GA>TT]AGAGAAAAAAACAGTAACTTTTAGGAAGAAACAATTGTTTGGCTACCGGTTTCCCCTTGA-3'